The following is an entry in ClinVar:

NC_000002.11:g.(?_227872031)_(227985874_?)del

Gene: COL4A4 (collagen type IV alpha 4 chain; minus strand). Cytogenetic location: 2q36.3.
Variant type: Deletion.
Identifiers: ClinVar variation 1366631 (VCV001366631.4).

ClinVar aggregate classification (germline): Pathogenic (1 of 4 stars; one submission).

Submission:

Labcorp Genetics (formerly Invitae), Labcorp
Classification: Pathogenic. Last evaluated: 2021-08-06. Review status: criteria provided, single submitter. Criteria: Invitae Variant Classification Sherloc (09022015). Collection method: clinical testing. Allele origin: germline.
Comment: For these reasons, this variant has been classified as Pathogenic. This variant disrupts a region of the COL4A4 protein in which other variant(s) (p.Arg1682Gln) have been determined to be pathogenic (PMID: 17216251, 26809805, 27859054). This suggests that this is a clinically significant region of the protein, and that variants that disrupt it are likely to be disease-causing. This variant has not been reported in the literature in individuals affected with COL4A4-related conditions. This variant is a gross deletion of the genomic region encompassing exon(s) 5-48 of the COL4A4 gene, which includes the termination codon. This deletion extends beyond the assayed region for this gene and therefore may encompass additional genes. While this deletion is not anticipated to lead to nonsense mediated decay, it is expected to alter mRNA translation or result in a truncated protein product.

Literature cited by the submitters: PubMed 17216251; PubMed 26809805; PubMed 27859054.